The following is an entry in ClinVar:

ClinVar aggregate classification (germline): Likely benign (1 of 4 stars; one submission).

gnomAD v4.1: 9 of 1,613,944 alleles (0.00056%); highest among the groups gnomAD compares: Non-Finnish European, 0.00076%; no homozygotes.

Submission:

CeGaT Center for Human Genetics Tuebingen
Classification: Likely benign. Last evaluated: 2024-03-01. Review status: criteria provided, single submitter. Criteria: CeGaT Center For Human Genetics Tuebingen Variant Classification Criteria Version 2. Collection method: clinical testing. Allele origin: germline. Affected: yes. Observed: 1 variant allele.
Comment: MED13: BP4, BP7

NM_005121.3(MED13):c.4944A>G (p.Thr1648=)

Gene: MED13 (mediator complex subunit 13; minus strand). Cytogenetic location: 17q23.2.
Variant type: single nucleotide variant.
Coding change: c.4944A>G on transcript NM_005121.3 (MANE Select); coding-DNA position 4944, A replaced by G.
Protein change: p.Thr1648=; no amino-acid change (threonine 1648 retained).
Molecular consequence: synonymous variant.
Genome position (GRCh38, 1-based): chr17:61,962,872, T>C on the plus strand (A>G on the coding strand, the complement: MED13 is on the minus strand). VCF-style: chr17-61962872-T-C. GRCh37 (hg19) VCF-style: chr17-60040233-T-C.
Identifiers: ClinVar variation 3067569 (VCV003067569.21), dbSNP rs190225556, ClinGen allele CA8692295.